The following is an entry in ClinVar:

GRCh38/hg38 19q13.42(chr19:54109954-54115802)x1

Genes: PRPF31 (pre-mRNA processing factor 31; plus strand), TFPT (TCF3 fusion partner; minus strand). Cytogenetic location: 19q13.42.
Variant type: copy number loss.
Change: copy number 1 (one copy instead of two) of chr19:54,109,954-54,115,802 (5.8 kb, GRCh38 coordinates, 1-based), cytogenetic band 19q13.42.
Identifiers: ClinVar variation 2579246 (VCV002579246.1).

ClinVar aggregate classification (germline): Uncertain significance (1 of 4 stars; one submission).

Conditions:
Retinitis pigmentosa 11 (RP11). Identifiers: Orphanet 791, MedGen C1838601, MONDO:0010828, OMIM 600138.

Submission:

Broad Center for Mendelian Genomics, Broad Institute of MIT and Harvard
Classification: Uncertain significance for Retinitis pigmentosa 11. Last evaluated: 2023-08-24. Review status: criteria provided, single submitter. Criteria: ACMG/ClinGen CNV Guidelines, 2019. Collection method: research. Allele origin: unknown. Inheritance: Autosomal dominant inheritance. Affected: yes.
Comment: A heterozygous deletion of 8 genes was identified by exome sequencing in one individual with retinitis pigmentosa ([GRCh 38] chr19:54109954_54115802x1)(PMID: 34906470). These breakpoints have been estimated by exome sequencing only and therefore may not reflect the true breakpoints. Inheritance information is unavailable. The patient phenotype is nonspecific, but is consistent with cases described in the literature and/or published databases with overlapping variants. There is partial overlap with the 5’ end of the PRPF31 gene (including exon 1 which is non-coding). Although the PRPF31 gene has not yet been evaluated by the ClinGen dosage sensitivity working group, the full gene deletion of PRPF31 has been curated as pathogenic by the Broad Institute Rare Disease Group (Broad Institute) due to a sufficient number LoF variants in this gene being identified individuals and/or families with retinitis pigmentosa (PMID: 29260190, 29957067, 22334370, 30543658), and therefore heterozygous loss of function of the PRPF31 gene is strongly associated to PRPF31-related retinopathy. A variant in PRPF31 similar in genomic content to the variant in our study was found to segregate with disease in five affected family members from one family in the literature (PMID: 33907366). In summary, while there is some suspicion for a pathogenic role, the clinical significance of this variant is uncertain. The ACMG/ClinGen evidence codes and points used in this curation are as follows: 1: 0 points, 2: 0 points, 3: 0 points, 4-5: 0.30 points; Total: 0.30 points; Riggs 2020 (PMID: 31690835).

Literature cited by the submitters: PubMed 34906470; PubMed 29260190; PubMed 29957067; PubMed 22334370; PubMed 30543658; PubMed 33907366.